The following is an entry in ClinVar:

ClinVar aggregate classification (germline): Likely pathogenic (1 of 4 stars; one submission).

Conditions:
Ethylmalonic encephalopathy (EE). Also called: EPEMA syndrome; Encephalopathy, petechiae, and ethylmalonic aciduria; Syndrome of encephalopathy, petechiae, and ethylmalonic aciduria. Identifiers: Orphanet 51188, MedGen C1865349, MONDO:0011229, OMIM 602473. Disease mechanism: loss of function.

Submission:

Labcorp Genetics (formerly Invitae), Labcorp
Classification: Likely pathogenic for Ethylmalonic encephalopathy. Last evaluated: 2023-11-11. Review status: criteria provided, single submitter. Criteria: Invitae Variant Classification Sherloc (09022015). Collection method: clinical testing. Allele origin: germline.
Comment: This sequence change affects an acceptor splice site in intron 1 of the ETHE1 gene. It is expected to disrupt RNA splicing. Variants that disrupt the donor or acceptor splice site typically lead to a loss of protein function (PMID: 16199547), and loss-of-function variants in ETHE1 are known to be pathogenic (PMID: 14732903, 19136963). This variant is not present in population databases (gnomAD no frequency). This variant has not been reported in the literature in individuals affected with ETHE1-related conditions. Algorithms developed to predict the effect of sequence changes on RNA splicing suggest that this variant may disrupt the consensus splice site. In summary, the currently available evidence indicates that the variant is pathogenic, but additional data are needed to prove that conclusively. Therefore, this variant has been classified as Likely Pathogenic.

Literature cited by the submitters: PubMed 16199547; PubMed 14732903; PubMed 19136963.

NM_014297.5(ETHE1):c.82-2A>G

Gene: ETHE1 (ETHE1 persulfide dioxygenase; minus strand). Cytogenetic location: 19q13.31.
Variant type: single nucleotide variant.
Coding change: c.82-2A>G on transcript NM_014297.5 (MANE Select); the canonical splice acceptor site of the intron before coding-DNA position 82, A replaced by G.
Molecular consequence: splice acceptor variant. On other transcripts: intron variant (1).
Genome position (GRCh38, 1-based): chr19:43,526,661, T>C on the plus strand (A>G on the coding strand, the complement: ETHE1 is on the minus strand). VCF-style: chr19-43526661-T-C. GRCh37 (hg19) VCF-style: chr19-44030813-T-C.
Other names: c.81+436A>G (NM_001320869.2); c.-139-2A>G (NM_001320868.2); c.82-2A>G (NM_001320867.2).
Identifiers: ClinVar variation 2695146 (VCV002695146.3), dbSNP rs2513630522, ClinGen allele CA406181807.
Genomic context (GRCh38, chr19:43,526,661, plus strand): 5'-TCCCGGGACTCTCTGTCACCCAGCAGGTACGTGAAGGTGCAGCTCACAGGCTCGAACATC[T>C]GGGAACGGGGGACCCAGGTGAGGGCGCAGAACCGGACTTCCACCCACTGGAGGCCAAGTA-3'